The following is an entry in ClinVar:

ClinVar aggregate classification (germline): Likely pathogenic (1 of 4 stars; one submission).

Allele frequency attached by ClinVar (database versions not stated): gnomAD exomes 0.00001.
gnomAD v4.1: 7 of 1,612,396 alleles (0.00043%); highest among the groups gnomAD compares: Non-Finnish European, 0.00059%; no homozygotes.

Submission:

Labcorp Genetics (formerly Invitae), Labcorp
Classification: Likely pathogenic. Last evaluated: 2022-07-13. Review status: criteria provided, single submitter. Criteria: Invitae Variant Classification Sherloc (09022015). Collection method: clinical testing. Allele origin: germline.
Comment: In summary, the currently available evidence indicates that the variant is pathogenic, but additional data are needed to prove that conclusively. Therefore, this variant has been classified as Likely Pathogenic. This sequence change affects an acceptor splice site in intron 6 of the PHF21A gene. It is expected to disrupt RNA splicing. Variants that disrupt the donor or acceptor splice site typically lead to a loss of protein function (PMID: 16199547), and loss-of-function variants in PHF21A are known to be pathogenic (PMID: 30487643). This variant is not present in population databases (gnomAD no frequency). This variant has not been reported in the literature in individuals affected with PHF21A-related conditions. Algorithms developed to predict the effect of sequence changes on RNA splicing suggest that this variant may disrupt the consensus splice site.

Literature cited by the submitters: PubMed 16199547; PubMed 30487643.

NM_001352027.3(PHF21A):c.361-2A>C

Gene: PHF21A (PHD finger protein 21A; minus strand). Cytogenetic location: 11p11.2.
Variant type: single nucleotide variant.
Coding change: c.361-2A>C on transcript NM_001352027.3 (MANE Select); the canonical splice acceptor site of the intron before coding-DNA position 361, A replaced by C.
Molecular consequence: splice acceptor variant. On other transcripts: intron variant (1).
Genome position (GRCh38, 1-based): chr11:45,971,369, T>G on the plus strand (A>C on the coding strand, the complement: PHF21A is on the minus strand). VCF-style: chr11-45971369-T-G. GRCh37 (hg19) VCF-style: chr11-45992920-T-G.
Other names: c.361-5A>C (NM_001352030.3); c.361-2A>C (NM_001101802.3, NM_001352031.3, NM_001352026.3 and 5 more transcripts).
Identifiers: ClinVar variation 2016541 (VCV002016541.4), dbSNP rs2136081849, ClinGen allele CA380210682.